The following is an entry in ClinVar:

NM_004380.3(CREBBP):c.6195C>A (p.Ser2065Arg)

Gene: CREBBP (CREB binding lysine acetyltransferase; minus strand). Cytogenetic location: 16p13.3.
Variant type: single nucleotide variant.
Coding change: c.6195C>A on transcript NM_004380.3 (MANE Select); coding-DNA position 6195, C replaced by A.
Protein change: p.Ser2065Arg; replaces serine 2065 with arginine.
Molecular consequence: missense variant.
Genome position (GRCh38, 1-based): chr16:3,728,852, G>T on the plus strand (C>A on the coding strand, the complement: CREBBP is on the minus strand). VCF-style: chr16-3728852-G-T. GRCh37 (hg19) VCF-style: chr16-3778853-G-T.
Other names: c.6081C>A, p.Ser2027Arg (NM_001079846.1); short protein forms S2027R, S2065R.
Identifiers: ClinVar variation 977430 (VCV000977430.7), dbSNP rs374150949, ClinGen allele CA394553919.

ClinVar aggregate classification (germline): Uncertain significance. Review status: criteria provided, multiple submitters, no conflicts (2 of 4 stars). 4 submissions from 4 submitters: Uncertain significance (4). Last evaluated 2026-04-11.

Conditions:
Inborn genetic diseases. Identifiers: MedGen C0950123, MeSH D030342.
Rubinstein-Taybi syndrome due to CREBBP mutations (RSTS1). Also called: BROAD THUMB-HALLUX SYNDROME; RUBINSTEIN-TAYBI SYNDROME 1, INCOMPLETE; RUBINSTEIN SYNDROME; CREBBP-Related Rubinstein-Taybi Syndrome; Rubinstein-Taybi syndrome 1; BROAD THUMBS AND GREAT TOES, CHARACTERISTIC FACIES, AND IMPAIRED INTELLECTUAL DEVELOPMENT. Identifiers: Orphanet 353277, Orphanet 783, MedGen C4551859, MONDO:0008393, OMIM 180849.
Menke-Hennekam syndrome 1 (MKHK1). Identifiers: MedGen C5193034, MONDO:0020763, OMIM 618332.
Rubinstein-Taybi syndrome (RSTS). Identifiers: Orphanet 783, MedGen C0035934, MONDO:0019188.

gnomAD v4.1: 1 of 1,613,154 alleles (0.000062%); no homozygotes.

Submissions (4):

Ambry Genetics
Classification: Uncertain significance for Inborn genetic diseases. Last evaluated: 2026-04-11. Review status: criteria provided, single submitter. Criteria: Ambry Variant Classification Scheme 2023. Collection method: clinical testing. Allele origin: germline.

Women's Health and Genetics/Laboratory Corporation of America, LabCorp
Classification: Uncertain significance. Last evaluated: 2025-02-21. Review status: criteria provided, single submitter. Criteria: LabCorp Variant Classification Summary - May 2015. Collection method: clinical testing. Allele origin: germline.
Comment: Variant summary: CREBBP c.6195C>A (p.Ser2065Arg) results in a non-conservative amino acid change in the encoded protein sequence. Three of five in-silico tools predict a benign effect of the variant on protein function. The variant was absent in 249018 control chromosomes (gnomAD). The available data on variant occurrences in the general population are insufficient to allow any conclusion about variant significance. To our knowledge, no occurrence of c.6195C>A in individuals affected with Rubinstein-Taybi Syndrome and no experimental evidence demonstrating its impact on protein function have been reported. ClinVar contains an entry for this variant (Variation ID: 977430). Based on the evidence outlined above, the variant was classified as uncertain significance.

Labcorp Genetics (formerly Invitae), Labcorp
Classification: Uncertain significance for Rubinstein-Taybi syndrome. Last evaluated: 2024-12-19. Review status: criteria provided, single submitter. Criteria: Invitae Variant Classification Sherloc (09022015). Collection method: clinical testing. Allele origin: germline.
Comment: This sequence change replaces serine, which is neutral and polar, with arginine, which is basic and polar, at codon 2065 of the CREBBP protein (p.Ser2065Arg). This variant is not present in population databases (gnomAD no frequency). This variant has not been reported in the literature in individuals affected with CREBBP-related conditions. ClinVar contains an entry for this variant (Variation ID: 977430). Invitae Evidence Modeling of protein sequence and biophysical properties (such as structural, functional, and spatial information, amino acid conservation, physicochemical variation, residue mobility, and thermodynamic stability) indicates that this missense variant is not expected to disrupt CREBBP protein function with a negative predictive value of 95%. In summary, the available evidence is currently insufficient to determine the role of this variant in disease. Therefore, it has been classified as a Variant of Uncertain Significance.

New York Genome Center
Classification: Uncertain significance for Menke-Hennekam syndrome 1; Rubinstein-Taybi syndrome due to CREBBP mutations. Last evaluated: 2019-12-13. Review status: criteria provided, single submitter. Criteria: NYGC Assertion Criteria 2020. Collection method: clinical testing. Allele origin: germline. Observed: 1 heterozygote. Study: CSER-NYCKidSeq.
Comment: The c.6195C>A (p.Ser2065Arg) variant identified substitutes a moderately conserved Serine for Arginine at amino acid 2065/2443 (coding exon 31/31). This variant is absent from gnomAD, suggesting it is not a common benign variant in the populations represented in this database. In silico algorithms do not agree on the effect of this variant, as it is predicted to be Neutral (Provean; score:-1.27) and Damaging (SIFT; score:0.039) to the function of the canonical transcript.To our current knowledge this variant has not been reported in affected individuals in the literature.